The following is an entry in ClinVar:

NM_182914.3(SYNE2):c.17561T>C (p.Leu5854Pro)

Gene: SYNE2 (spectrin repeat containing nuclear envelope protein 2; plus strand). Cytogenetic location: 14q23.2.
Variant type: single nucleotide variant.
Coding change: c.17561T>C on transcript NM_182914.3 (MANE Select); coding-DNA position 17561, T replaced by C.
Protein change: p.Leu5854Pro; replaces leucine 5854 with proline.
Molecular consequence: missense variant.
Genome position (GRCh38, 1-based): chr14:64,186,428, T>C. VCF-style: chr14-64186428-T-C. GRCh37 (hg19) VCF-style: chr14-64653146-T-C.
Other names: c.17561T>C, p.Leu5854Pro (NM_015180.6); short protein forms L5854P.
Identifiers: ClinVar variation 199247 (VCV000199247.49), dbSNP rs117070973, ClinGen allele CA203823.

ClinVar aggregate classification (germline): Benign/Likely benign. Review status: criteria provided, multiple submitters, no conflicts (2 of 4 stars). 9 submissions from 9 submitters: Benign (6); Likely benign (2). 1 of the submissions does not count toward it. Last evaluated 2026-06-01.

Conditions:
SYNE2-related disorder. Also called: SYNE2-related condition.
Emery-Dreifuss muscular dystrophy 5, autosomal dominant (EDMD5). Also called: EMERY-DREIFUSS MUSCULAR DYSTROPHY 5. Identifiers: Orphanet 261, MedGen C2751805, MONDO:0013072, OMIM 612999.

Allele frequency attached by ClinVar (database versions not stated): 1000 Genomes Project 0.00220; 1000 Genomes Project 30x 0.00234; TOPMed 0.00388; ESP Exome Variant Server 0.00438; gnomAD 0.00512 and 0.00528; gnomAD exomes 0.00515 and 0.00659; ExAC 0.00574.
gnomAD v4.1: 10,294 of 1,614,206 alleles (0.64%); highest among the groups gnomAD compares: Non-Finnish European, 0.75%; 56 homozygotes.

Submissions (9):

CeGaT Center for Human Genetics Tuebingen
Classification: Likely benign. Last evaluated: 2026-06-01. Review status: criteria provided, single submitter. Criteria: CeGaT Center For Human Genetics Tuebingen Variant Classification Criteria Version 2. Collection method: clinical testing. Allele origin: germline. Affected: yes. Observed: 17 variant alleles.
Comment: SYNE2: BS2

Labcorp Genetics (formerly Invitae), Labcorp
Classification: Benign for Emery-Dreifuss muscular dystrophy 5, autosomal dominant. Last evaluated: 2026-01-28. Review status: criteria provided, single submitter. Criteria: Invitae Variant Classification Sherloc (09022015). Collection method: clinical testing. Allele origin: germline.

PreventionGenetics, part of Exact Sciences
Classification: Benign for SYNE2-related condition. Last evaluated: 2025-02-27. Review status: criteria provided, single submitter. Criteria: ACMG Guidelines, 2015. Collection method: clinical testing. Allele origin: germline.
Comment: This variant is classified as benign based on ACMG/AMP sequence variant interpretation guidelines (Richards et al. 2015 PMID: 25741868, with internal and published modifications).

Athena Diagnostics
Classification: Benign. Last evaluated: 2024-05-07. Review status: criteria provided, single submitter. Criteria: Athena Diagnostics Criteria. Collection method: clinical testing. Allele origin: unknown.

Illumina Laboratory Services, Illumina
Classification: Benign for Emery-Dreifuss muscular dystrophy 5, autosomal dominant. Last evaluated: 2018-01-13. Review status: criteria provided, single submitter. Criteria: ICSL Variant Classification Criteria 13 December 2019. Collection method: clinical testing. Allele origin: germline.
Comment: This variant was observed in the ICSL laboratory as part of a predisposition screen in an ostensibly healthy population. It had not been previously curated by ICSL or reported in the Human Gene Mutation Database (HGMD: prior to June 1st, 2018), and was therefore a candidate for classification through an automated scoring system. Utilizing variant allele frequency, disease prevalence and penetrance estimates, and inheritance mode, an automated score was calculated to assess if this variant is too frequent to cause the disease. Based on the score and internal cut-off values, a variant classified as benign is not then subjected to further curation. The score for this variant resulted in a classification of benign for this disease.

Genome Diagnostics Laboratory, University Medical Center Utrecht
Classification: Benign for Emery-Dreifuss muscular dystrophy 5, autosomal dominant. Last evaluated: 2016-10-06. Review status: criteria provided, single submitter. Criteria: ACGS Guidelines, 2013. Collection method: clinical testing. Allele origin: germline. Affected: yes. Study: VKGL Data-share Consensus.

Center for Pediatric Genomic Medicine, Children's Mercy Hospital and Clinics
Classification: Likely benign. Last evaluated: 2016-09-14. Review status: criteria provided, single submitter. Criteria: ACMG Guidelines, 2015. Collection method: clinical testing. Allele origin: germline.
ClinVar note: Converted during submission from Likely Benign to Likely benign.

Eurofins Ntd Llc (ga)
Classification: Benign. Last evaluated: 2015-02-27. Review status: criteria provided, single submitter. Criteria: EGL Classification Definitions 2015. Collection method: clinical testing. Allele origin: germline. Observed: 1 variant allele, 1 heterozygote.

Clinical Genetics, Academic Medical Center
Classification: Likely benign. Review status: no assertion criteria provided. Collection method: clinical testing. Allele origin: germline. Affected: yes. Study: VKGL Data-share Consensus. Not counted in ClinVar's aggregate classification.

Literature cited by the submitters: PubMed 29970176 (cited by Athena Diagnostics).